The following is an entry in ClinVar:

NM_001283009.2(RTEL1):c.2299A>T (p.Ser767Cys)

Genes: RTEL1 (regulator of telomere elongation helicase 1; plus strand), RTEL1-TNFRSF6B (RTEL1-TNFRSF6B readthrough (NMD candidate); plus strand). Cytogenetic location: 20q13.33.
Variant type: single nucleotide variant.
Coding change: c.2299A>T on transcript NM_001283009.2 (MANE Select); coding-DNA position 2299, A replaced by T.
Protein change: p.Ser767Cys; replaces serine 767 with cysteine.
Molecular consequence: missense variant. On other transcripts: non-coding transcript variant (1).
Genome position (GRCh38, 1-based): chr20:63,690,327, A>T. VCF-style: chr20-63690327-A-T. GRCh37 (hg19) VCF-style: chr20-62321680-A-T.
Other names: c.1630A>T, p.Ser544Cys (NM_001283010.1); c.2299A>T, p.Ser767Cys (NM_016434.4); c.2371A>T, p.Ser791Cys (NM_032957.5); short protein forms S767C, S544C, S791C.
Identifiers: ClinVar variation 5028524 (VCV005028524.1).

ClinVar aggregate classification (germline): Uncertain significance (1 of 4 stars; one submission).

Conditions:
Inborn genetic diseases. Identifiers: MedGen C0950123, MeSH D030342.

Submission:

Ambry Genetics
Classification: Uncertain significance for Inborn genetic diseases. Last evaluated: 2026-08-25. Review status: criteria provided, single submitter. Criteria: Ambry Variant Classification Scheme 2023. Collection method: clinical testing. Allele origin: germline.
Comment: The p.S767C variant (also known as c.2299A>T), located in coding exon 25 of the RTEL1 gene, results from an A to T substitution at nucleotide position 2299. The serine at codon 767 is replaced by cysteine, an amino acid with dissimilar properties. This amino acid position is conserved. In addition, this alteration is predicted to be tolerated by in silico analysis. Based on the available evidence, the clinical significance of this variant remains unclear.